The following is an entry in ClinVar:

NM_001165963.4(SCN1A):c.1027G>C (p.Gly343Arg)

Gene: SCN1A (sodium voltage-gated channel alpha subunit 1; minus strand). Cytogenetic location: 2q24.3.
Variant type: single nucleotide variant.
Coding change: c.1027G>C on transcript NM_001165963.4 (MANE Select); coding-DNA position 1027, G replaced by C.
Protein change: p.Gly343Arg; replaces glycine 343 with arginine.
Molecular consequence: missense variant. On other transcripts: 5 prime UTR variant (1), non-coding transcript variant (1).
Genome position (GRCh38, 1-based): chr2:166,048,887, C>G on the plus strand (G>C on the coding strand, the complement: SCN1A is on the minus strand). VCF-style: chr2-166048887-C-G. GRCh37 (hg19) VCF-style: chr2-166905397-C-G.
Other names: c.1027G>C, p.Gly343Arg (NM_001165964.3, NM_001202435.3, NM_001353948.2 and 10 more transcripts); c.-1399G>C (NM_001353961.2); short protein forms G343R.
Identifiers: ClinVar variation 1769972 (VCV001769972.3), dbSNP rs1553548063, ClinGen allele CA349071540.

ClinVar aggregate classification (germline): Pathogenic/Likely pathogenic. Review status: criteria provided, multiple submitters, no conflicts (2 of 4 stars). 2 submissions from 2 submitters: Pathogenic (1); Likely pathogenic (1). Last evaluated 2022-07-07.

Conditions:
SCN1A-related disorder. Also called: SCN1A-related conditions; SCN1A-related condition; SCN1A-related disorders.
Inborn genetic diseases. Identifiers: MedGen C0950123, MeSH D030342.

Submissions (2):

Blueprint Genetics
Classification: Likely pathogenic for SCN1A-related disorders. Last evaluated: 2022-07-07. Review status: criteria provided, single submitter. Criteria: ACMG Guidelines, 2015. Collection method: clinical testing. Allele origin: germline. Affected: yes. Observed: 1 variant allele.

Ambry Genetics
Classification: Pathogenic for Inborn genetic diseases. Last evaluated: 2019-02-15. Review status: criteria provided, single submitter. Criteria: Ambry Variant Classification Scheme 2023. Collection method: clinical testing. Allele origin: germline.
Comment: The p.G343R pathogenic mutation (also known as c.1027G>C), located in coding exon 7 of the SCN1A gene, results from a G to C substitution at nucleotide position 1027. The glycine at codon 343 is replaced by arginine, an amino acid with dissimilar properties. This variant has been determined to be the result of a de novo mutation or germline mosaicism in two unrelated families with isolated cases of SCN1A-related epilepsy (Ambry internal data; Ishii A et al. Epilepsia, 2017 02;58:282-290). Based on internal structural analysis, this variant is anticipated to result in a significant decrease in structural stability (Ambry internal data; Shen H et al. Science, 2017 03;355). Two different alterations at this same amino acid position, p.G343C and p.G343D, have been reported in individuals with SCN1A-related epilepsy (Fujiwara T et al. Brain, 2003 Mar;126:531-46; Ishii A et al. Epilepsia, 2017 02;58:282-290). This amino acid position is highly conserved in available vertebrate species. In addition, this alteration is predicted to be deleterious by in silico analysis. Based on the supporting evidence, this alteration is interpreted as a disease-causing mutation.

Literature cited by the submitters: PubMed 12566275 (cited by Ambry Genetics); PubMed 28012175 (cited by Ambry Genetics); PubMed 28183995 (cited by Ambry Genetics).